The following is an entry in ClinVar:

ClinVar aggregate classification (germline): Benign/Likely benign. Review status: criteria provided, multiple submitters, no conflicts (2 of 4 stars). 4 submissions from 3 submitters: Benign (3); Likely benign (1). Last evaluated 2025-06-16.

Conditions:
Surfactant metabolism dysfunction, pulmonary, 2 (SMDP2). Also called: DESQUAMATIVE INTERSTITIAL PNEUMONITIS DUE TO SURFACTANT PROTEIN C DEFICIENCY; INTERSTITIAL LUNG DISEASE DUE TO SURFACTANT PROTEIN C DEFICIENCY; PULMONARY ALVEOLAR PROTEINOSIS, CONGENITAL, 2. Identifiers: Orphanet 440392, MedGen C1970470, MONDO:0024465, OMIM 610913.
Interstitial lung disease 2 (ILD2). Also called: Familial idiopathic pulmonary fibrosis; FIBROCYSTIC PULMONARY DYSPLASIA; FIBROSING ALVEOLITIS, CRYPTOGENIC. Identifiers: Orphanet 2032, Orphanet 79126, MedGen C5561926, MONDO:0800497, OMIM 178500, MONDO:0800029.
Hereditary pulmonary alveolar proteinosis. Also called: Pulmonary surfactant metabolism dysfunction. Identifiers: Orphanet 264675, MedGen C3711368, MONDO:0012580.

Allele frequency attached by ClinVar (database versions not stated): 1000 Genomes Project 0.00080; TOPMed 0.00060; 1000 Genomes Project 30x 0.00062.
gnomAD v4.1: 267 of 1,614,100 alleles (0.017%); highest among the groups gnomAD compares: East Asian, 0.48%; 1 homozygote.

Submissions (4):

Labcorp Genetics (formerly Invitae), Labcorp
Classification: Benign. Last evaluated: 2025-06-16. Review status: criteria provided, single submitter. Criteria: Invitae Variant Classification Sherloc (09022015). Collection method: clinical testing. Allele origin: germline.

Illumina Laboratory Services, Illumina
Classification: Benign for Surfactant metabolism dysfunction, pulmonary, 2. Last evaluated: 2018-01-13. Review status: criteria provided, single submitter. Criteria: ICSL Variant Classification Criteria 13 December 2019. Collection method: clinical testing. Allele origin: germline.
Comment: This variant was observed in the ICSL laboratory as part of a predisposition screen in an ostensibly healthy population. It had not been previously curated by ICSL or reported in the Human Gene Mutation Database (HGMD: prior to June 1st, 2018), and was therefore a candidate for classification through an automated scoring system. Utilizing variant allele frequency, disease prevalence and penetrance estimates, and inheritance mode, an automated score was calculated to assess if this variant is too frequent to cause the disease. Based on the score and internal cut-off values, a variant classified as benign is not then subjected to further curation. The score for this variant resulted in a classification of benign for this disease.

Illumina Laboratory Services, Illumina
Classification: Benign for Idiopathic fibrosing alveolitis, chronic form. Last evaluated: 2018-01-13. Review status: criteria provided, single submitter. Criteria: ICSL Variant Classification Criteria 13 December 2019. Collection method: clinical testing. Allele origin: germline.
Comment: the same text as in the submission from Illumina Laboratory Services, Illumina above.

Ambry Genetics
Classification: Likely benign for Hereditary pulmonary alveolar proteinosis. Last evaluated: 2016-04-29. Review status: criteria provided, single submitter. Criteria: Ambry Variant Classification Scheme 2023. Collection method: clinical testing. Allele origin: germline.

NM_001317778.2(SFTPC):c.68G>A (p.Arg23Gln)

Gene: SFTPC (surfactant protein C; plus strand). Cytogenetic location: 8p21.3.
Variant type: single nucleotide variant.
Coding change: c.68G>A on transcript NM_001317778.2 (MANE Select); coding-DNA position 68, G replaced by A.
Protein change: p.Arg23Gln; replaces arginine 23 with glutamine.
Molecular consequence: missense variant. On other transcripts: intron variant (1).
Genome position (GRCh38, 1-based): chr8:22,162,599, G>A. VCF-style: chr8-22162599-G-A. GRCh37 (hg19) VCF-style: chr8-22020112-G-A.
Other names: c.68G>A, p.Arg23Gln (NM_001172357.2, NM_001172410.2, NM_001317780.2 and 1 more transcripts); c.43-481G>A (NM_001317779.2); short protein forms R23Q.
Identifiers: ClinVar variation 909206 (VCV000909206.9), dbSNP rs75902455, ClinGen allele CA4663893.